The following is an entry in ClinVar:

ClinVar aggregate classification (germline): Uncertain significance (1 of 4 stars; one submission).

Conditions:
Inborn genetic diseases. Identifiers: MedGen C0950123, MeSH D030342.

Submission:

Ambry Genetics
Classification: Uncertain significance for Inborn genetic diseases. Last evaluated: 2026-08-10. Review status: criteria provided, single submitter. Criteria: Ambry Variant Classification Scheme 2023. Collection method: clinical testing. Allele origin: germline.
Comment: The p.E657D variant (also known as c.1971G>T), located in coding exon 13 of the ASXL1 gene, results from a G to T substitution at nucleotide position 1971. The glutamic acid at codon 657 is replaced by aspartic acid, an amino acid with highly similar properties. This amino acid position is conserved. In addition, this alteration is predicted to be tolerated by in silico analysis. Based on the available evidence, the clinical significance of this variant remains unclear.

NM_015338.6(ASXL1):c.1971G>T (p.Glu657Asp)

Gene: ASXL1 (ASXL transcriptional regulator 1; plus strand). Cytogenetic location: 20q11.21.
Variant type: single nucleotide variant.
Coding change: c.1971G>T on transcript NM_015338.6 (MANE Select); coding-DNA position 1971, G replaced by T.
Protein change: p.Glu657Asp; replaces glutamic acid 657 with aspartic acid.
Molecular consequence: missense variant.
Genome position (GRCh38, 1-based): chr20:32,434,683, G>T. VCF-style: chr20-32434683-G-T. GRCh37 (hg19) VCF-style: chr20-31022486-G-T.
Other names: c.1788G>T, p.Glu596Asp (NM_001363734.1); short protein forms E596D, E657D.
Identifiers: ClinVar variation 5030243 (VCV005030243.1).